The following is an entry in ClinVar:

ClinVar aggregate classification (germline): Uncertain significance (1 of 4 stars; one submission).

Submission:

Labcorp Genetics (formerly Invitae), Labcorp
Classification: Uncertain significance. Last evaluated: 2025-04-02. Review status: criteria provided, single submitter. Criteria: Invitae Variant Classification Sherloc (09022015). Collection method: clinical testing. Allele origin: germline.
Comment: This sequence change replaces valine, which is neutral and non-polar, with isoleucine, which is neutral and non-polar, at codon 1456 of the WDR62 protein (p.Val1456Ile). This variant is not present in population databases (gnomAD no frequency). This variant has not been reported in the literature in individuals affected with WDR62-related conditions. An algorithm developed to predict the effect of missense changes on protein structure and function (PolyPhen-2) suggests that this variant is likely to be tolerated. In summary, the available evidence is currently insufficient to determine the role of this variant in disease. Therefore, it has been classified as a Variant of Uncertain Significance.

NM_001083961.2(WDR62):c.4366G>A (p.Val1456Ile)

Gene: WDR62 (WD repeat domain 62; plus strand). Cytogenetic location: 19q13.12.
Variant type: single nucleotide variant.
Coding change: c.4366G>A on transcript NM_001083961.2 (MANE Select); coding-DNA position 4366, G replaced by A.
Protein change: p.Val1456Ile; replaces valine 1456 with isoleucine.
Molecular consequence: missense variant.
Genome position (GRCh38, 1-based): chr19:36,104,822, G>A. VCF-style: chr19-36104822-G-A. GRCh37 (hg19) VCF-style: chr19-36595724-G-A.
Other names: c.4351G>A, p.Val1451Ile (NM_001411145.1, NM_173636.5); c.4117G>A, p.Val1373Ile (NM_001411146.1); c.4015G>A, p.Val1339Ile (NM_001411147.1); short protein forms V1456I, V1339I, V1373I, V1451I.
Identifiers: ClinVar variation 4771364 (VCV004771364.1).
Genomic context (GRCh38, chr19:36,104,822, plus strand): 5'-TTGCAGTTGGTCTCCAGTGGCCAGGTGGACACCGGGCAGCAGCAGGCACGGACTGAGCTG[G>A]TCTCCACCTTCCTGTGGATCCACAGCCAGCTGGAGGCTGAATGCCTGGTGGGGACTAGTG-3'
Protein context (NP_001077430.1, residues 1446-1466): TGQQQARTEL[Val1456Ile]STFLWIHSQL